The following is an entry in ClinVar:

NM_004360.5(CDH1):c.1758T>C (p.Ser586=)

Gene: CDH1 (cadherin 1; plus strand). Cytogenetic location: 16q22.1.
Variant type: single nucleotide variant.
Coding change: c.1758T>C on transcript NM_004360.5 (MANE Select); coding-DNA position 1758, T replaced by C.
Protein change: p.Ser586=; no amino-acid change (serine 586 retained).
Molecular consequence: synonymous variant. On other transcripts: 5 prime UTR variant (1).
Genome position (GRCh38, 1-based): chr16:68,822,047, T>C. VCF-style: chr16-68822047-T-C. GRCh37 (hg19) VCF-style: chr16-68855950-T-C.
Other names: c.1575T>C, p.Ser525= (NM_001317184.2); c.210T>C, p.Ser70= (NM_001317185.2); c.-208T>C (NM_001317186.2).
Identifiers: ClinVar variation 3378653 (VCV003378653.1).
Genomic context (GRCh38, chr16:68,822,047, plus strand): 5'-GTATTTTCTCTTAGGTTCTCCAGTTGCTACTGGAACAGGGACACTTCTGCTGATCCTGTC[T>C]GATGTGAATGACAACGCCCCCATACCAGAACCTCGAACTATATTCTTCTGTGAGAGGAAT-3'
Protein context (NP_004351.1, residues 576-596): TGTGTLLLIL[Ser586=]DVNDNAPIPE

ClinVar aggregate classification (germline): Benign (1 of 4 stars; one submission).

Conditions:
Hereditary diffuse gastric adenocarcinoma (HDGC). Also called: DIFFUSE GASTRIC AND LOBULAR BREAST CANCER SYNDROME. Identifiers: Orphanet 26106, MedGen C1708349, MONDO:0007648, OMIM 137215.

Submission:

Myriad Genetics, Inc.
Classification: Benign for Hereditary diffuse gastric adenocarcinoma. Last evaluated: 2024-09-20. Review status: criteria provided, single submitter. Criteria: Myriad Autosomal Dominant, Autosomal Recessive and X-Linked Classification Criteria (2023). Collection method: clinical testing. Allele origin: unknown.
Comment: This variant is considered benign. This variant is a silent/synonymous amino acid change and it is not expected to impact splicing.